The following is an entry in ClinVar:

NM_015158.5(KANK1):c.3244_3245del (p.Arg1082fs)

Gene: KANK1 (KN motif and ankyrin repeat domains 1; plus strand). Cytogenetic location: 9p24.3.
Variant type: Microsatellite.
Coding change: c.3244_3245del on transcript NM_015158.5 (MANE Select); coding-DNA positions 3244 to 3245, 2 bases deleted (AG; older notation c.3244_3245delAG).
Protein change: p.Arg1082fs; shifts the reading frame from arginine 1082.
Molecular consequence: frameshift variant. On other transcripts: intron variant (5).
Genome position (GRCh38, 1-based): chr9:732,616-732,617, AG deleted; deleting any 2 consecutive bases within chr9:732,610-732,617 gives the same sequence; the c. name uses the placement nearest the transcript's 3' end. VCF-style (leftmost placement, unchanged base first): chr9-732609-CAG-C. GRCh37 (hg19) VCF-style: chr9-732609-CAG-C.
Other names: c.3244_3245del, p.Arg1082fs (NM_001256876.3, NM_001256877.3, NM_001354334.2); c.3190_3191del, p.Arg1064fs (NM_001354332.2); c.2770_2771del, p.Arg924fs (NM_001354333.2, NM_001354335.2, NM_001354337.2 and 2 more transcripts); c.2716_2717del, p.Arg906fs (NM_001354338.2, NM_001354340.2, NM_001354344.2); c.3005+1344AG[3] (NM_001354331.2); c.2477+1344AG[3] (NM_001354336.2); c.2531+1344AG[3] (NM_001354339.2, NM_001354343.2, NM_001354342.2); short protein forms R1082fs, R924fs, R906fs, R1064fs.
Identifiers: ClinVar variation 2984875 (VCV002984875.3), dbSNP rs1375903053, ClinGen allele CA586167721.
Genomic context (GRCh38, chr9:732,609, plus strand): 5'-GTCTGCCAGGGTGGAAGATGAAATGCAGGTTCAAGAATGTGAACCTGAGAAGGTGGAAAT[CAG>C]AGAGAGGTGTGGTACATTCCCCTTCCCTCCCTTGCCCCTCCCACATTTAATGTACTTTGG-3'

ClinVar aggregate classification (germline): Uncertain significance (1 of 4 stars; one submission).

Submission:

Labcorp Genetics (formerly Invitae), Labcorp
Classification: Uncertain significance. Last evaluated: 2025-06-12. Review status: criteria provided, single submitter. Criteria: Invitae Variant Classification Sherloc (09022015). Collection method: clinical testing. Allele origin: germline.
Comment: This sequence change creates a premature translational stop signal (p.Arg1082Valfs*2) in the KANK1 gene. It is expected to result in an absent or disrupted protein product. However, the current clinical and genetic evidence is not sufficient to establish whether loss-of-function variants in KANK1 cause disease. This variant is present in population databases (no rsID available, gnomAD 0.007%). This variant has not been reported in the literature in individuals affected with KANK1-related conditions. In summary, the available evidence is currently insufficient to determine the role of this variant in disease. Therefore, it has been classified as a Variant of Uncertain Significance.